The following is an entry in ClinVar:

ClinVar aggregate classification (germline): Uncertain significance. Review status: criteria provided, multiple submitters, no conflicts (2 of 4 stars). 2 submissions from 2 submitters: Uncertain significance (2). Last evaluated 2025-10-07.

Conditions:
Hereditary cancer-predisposing syndrome. Also called: Hereditary Cancer Syndrome; Tumor predisposition; Hereditary neoplastic syndrome; Neoplastic Syndromes, Hereditary. Identifiers: Orphanet 140162, MedGen C0027672, MeSH D009386, MONDO:0015356.

gnomAD v4.1: 4 of 1,613,150 alleles (0.00025%); highest among the groups gnomAD compares: Non-Finnish European, 0.00034%; no homozygotes.

Submissions (2):

Labcorp Genetics (formerly Invitae), Labcorp
Classification: Uncertain significance. Last evaluated: 2025-10-07. Review status: criteria provided, single submitter. Criteria: Invitae Variant Classification Sherloc (09022015). Collection method: clinical testing. Allele origin: germline.
Comment: This sequence change replaces serine, which is neutral and polar, with tryptophan, which is neutral and slightly polar, at codon 71 of the NTHL1 protein (p.Ser71Trp). This variant is not present in population databases (gnomAD no frequency). This variant has not been reported in the literature in individuals affected with NTHL1-related conditions. ClinVar contains an entry for this variant (Variation ID: 1057661). An algorithm developed to predict the effect of missense changes on protein structure and function (PolyPhen-2) suggests that this variant is likely to be disruptive. In summary, the available evidence is currently insufficient to determine the role of this variant in disease. Therefore, it has been classified as a Variant of Uncertain Significance.

Ambry Genetics
Classification: Uncertain significance for Hereditary cancer-predisposing syndrome. Last evaluated: 2023-11-16. Review status: criteria provided, single submitter. Criteria: Ambry Variant Classification Scheme 2023. Collection method: clinical testing. Allele origin: germline.
Comment: The p.S71W variant (also known as c.212C>G), located in coding exon 2 of the NTHL1 gene, results from a C to G substitution at nucleotide position 212. The serine at codon 71 is replaced by tryptophan, an amino acid with highly dissimilar properties. This amino acid position is poorly conserved in available vertebrate species. In addition, this alteration is predicted to be tolerated by in silico analysis. Since supporting evidence is limited at this time, the clinical significance of this alteration remains unclear.

NM_002528.7(NTHL1):c.188C>G (p.Ser63Trp)

Gene: NTHL1 (nth like DNA glycosylase 1; minus strand). Cytogenetic location: 16p13.3.
Variant type: single nucleotide variant.
Coding change: c.188C>G on transcript NM_002528.7 (MANE Select); coding-DNA position 188, C replaced by G.
Protein change: p.Ser63Trp; replaces serine 63 with tryptophan.
Molecular consequence: missense variant.
Genome position (GRCh38, 1-based): chr16:2,046,294, G>C on the plus strand (C>G on the coding strand, the complement: NTHL1 is on the minus strand). VCF-style: chr16-2046294-G-C. GRCh37 (hg19) VCF-style: chr16-2096295-G-C.
Other names: c.188C>G, p.Ser63Trp (NM_001318193.2); c.10C>G, p.Arg4Gly (NM_001318194.2); short protein forms R4G, S63W.
Identifiers: ClinVar variation 1057661 (VCV001057661.11), dbSNP rs746458904, ClinGen allele CA394297707.